The following is an entry in ClinVar:

NM_001387011.1(AMBRA1):c.1654C>T (p.His552Tyr)

Gene: AMBRA1 (autophagy and beclin 1 regulator 1; minus strand). Cytogenetic location: 11p11.2.
Variant type: single nucleotide variant.
Coding change: c.1654C>T on transcript NM_001387011.1 (MANE Select); coding-DNA position 1654, C replaced by T.
Protein change: p.His552Tyr; replaces histidine 552 with tyrosine.
Molecular consequence: missense variant. On other transcripts: non-coding transcript variant (1).
Genome position (GRCh38, 1-based): chr11:46,542,363, G>A on the plus strand (C>T on the coding strand, the complement: AMBRA1 is on the minus strand). VCF-style: chr11-46542363-G-A. GRCh37 (hg19) VCF-style: chr11-46563913-G-A.
Other names: c.1384C>T, p.His462Tyr (NM_001267782.2, NM_001267783.2, NM_001367469.1 and 2 more transcripts); c.1654C>T, p.His552Tyr (NM_001300731.2, NM_001367468.1); c.847C>T, p.His283Tyr (NM_001367470.1); short protein forms H283Y, H462Y, H552Y.
Identifiers: ClinVar variation 2634662 (VCV002634662.1), dbSNP rs1457144643, ClinGen allele CA380235142.

ClinVar aggregate classification (germline): Uncertain significance (1 of 4 stars; one submission).

Conditions:
AMBRA1-related disorder. Also called: AMBRA1-related condition.

Allele frequency attached by ClinVar (database versions not stated): gnomAD exomes below 0.00001; gnomAD 0.00001.
gnomAD v4.1: 2 of 1,614,058 alleles (0.00012%); highest among the groups gnomAD compares: Non-Finnish European, 0.00017%; no homozygotes.

Submission:

PreventionGenetics, part of Exact Sciences
Classification: Uncertain significance for AMBRA1-related condition. Last evaluated: 2023-05-05. Review status: criteria provided, single submitter. Criteria: ACMG Guidelines, 2015. Collection method: clinical testing. Allele origin: germline.
Comment: The AMBRA1 c.1384C>T variant is predicted to result in the amino acid substitution p.His462Tyr. To our knowledge, this variant has not been reported in the literature. This variant is reported in 1 out of 31,398 alleles in the gnomAD database. At this time, the clinical significance of this variant is uncertain due to the absence of conclusive functional and genetic evidence.